The following is an entry in ClinVar:

NM_006005.3(WFS1):c.2664GGC[1] (p.Ala890del)

Gene: WFS1 (wolframin ER transmembrane glycoprotein; plus strand). Cytogenetic location: 4p16.1.
Variant type: Microsatellite.
Coding change: c.2664GGC[1] on transcript NM_006005.3 (MANE Select); one copy of the 3-base unit GGC starting at c.2664; the reference has two copies in a row; one copy, 3 bases deleted.
Protein change: p.Ala890del; deletes alanine 890.
Molecular consequence: inframe deletion.
Genome position (GRCh38, 1-based): chr4:6,302,462-6,302,464, GGC deleted; deleting any 3 consecutive bases within chr4:6,302,458-6,302,464 gives the same sequence; the position shown is the placement nearest the transcript's 3' end. VCF-style (leftmost placement, unchanged base first): chr4-6302457-TCGG-T. GRCh37 (hg19) VCF-style: chr4-6304184-TCGG-T.
Other names: c.2664GGC[1], p.Ala890del (NM_001145853.1); short protein forms A890del.
Identifiers: ClinVar variation 2103829 (VCV002103829.4), dbSNP rs1396232609, ClinGen allele CA549708056.
Genomic context (GRCh38, chr4:6,302,457, plus strand): 5'-CGCAGCACCGTGCATGGCGCCGTGAAGTTCGCCTTCGACTTCTTTTTCTTCCCATTCCTG[TCGG>T]CGGCCTGAGGATGGTCCGCCACGAGGAGCTTCCAGTGCATGTTGCCATGAGGCCTTTCCC-3'

ClinVar aggregate classification (germline): Uncertain significance (1 of 4 stars; one submission).

Submission:

Labcorp Genetics (formerly Invitae), Labcorp
Classification: Uncertain significance. Last evaluated: 2025-02-23. Review status: criteria provided, single submitter. Criteria: Invitae Variant Classification Sherloc (09022015). Collection method: clinical testing. Allele origin: germline.
Comment: This sequence change creates a premature translational stop signal (p.Ala890*) in the WFS1 gene. While this is not anticipated to result in nonsense mediated decay, it is expected to disrupt the last 1 amino acid(s) of the WFS1 protein. This variant is present in population databases (no rsID available, gnomAD 0.002%). This variant has not been reported in the literature in individuals affected with WFS1-related conditions. In summary, the available evidence is currently insufficient to determine the role of this variant in disease. Therefore, it has been classified as a Variant of Uncertain Significance.